The following is an entry in ClinVar:

NM_014423.4(AFF4):c.1646C>G (p.Ser549Cys)

Gene: AFF4 (ALF transcription elongation factor 4; minus strand). Cytogenetic location: 5q31.1.
Variant type: single nucleotide variant.
Coding change: c.1646C>G on transcript NM_014423.4 (MANE Select); coding-DNA position 1646, C replaced by G.
Protein change: p.Ser549Cys; replaces serine 549 with cysteine.
Molecular consequence: missense variant.
Genome position (GRCh38, 1-based): chr5:132,896,984, G>C on the plus strand (C>G on the coding strand, the complement: AFF4 is on the minus strand). VCF-style: chr5-132896984-G-C. GRCh37 (hg19) VCF-style: chr5-132232676-G-C.
Other names: short protein forms S549C.
Identifiers: ClinVar variation 3669728 (VCV003669728.4).

ClinVar aggregate classification (germline): Conflicting classifications of pathogenicity. Review status: criteria provided, conflicting classifications (1 of 4 stars). 2 submissions from 2 submitters: Uncertain significance (1); Likely benign (1). Last evaluated 2026-04-01.

Conditions:
Cognitive impairment - coarse facies - heart defects - obesity - pulmonary involvement - short stature - skeletal dysplasia syndrome. Also called: COGNITIVE IMPAIRMENT, COARSE FACIES, HEART DEFECTS, OBESITY, PULMONARY INVOLVEMENT, SHORT STATURE, AND SKELETAL DYSPLASIA; Chops syndrome; AFF4-Related CHOPS Syndrome. Identifiers: Orphanet 444077, MedGen C4085597, MONDO:0014609, OMIM 616368.

Submissions (2):

CeGaT Center for Human Genetics Tuebingen
Classification: Likely benign. Last evaluated: 2026-04-01. Review status: criteria provided, single submitter. Criteria: CeGaT Center For Human Genetics Tuebingen Variant Classification Criteria Version 2. Collection method: clinical testing. Allele origin: germline. Affected: yes. Observed: 1 variant allele.
Comment: AFF4: BS2

Labcorp Genetics (formerly Invitae), Labcorp
Classification: Uncertain significance for Cognitive impairment - coarse facies - heart defects - obesity - pulmonary involvement - short stature - skeletal dysplasia syndrome. Last evaluated: 2025-09-11. Review status: criteria provided, single submitter. Criteria: Invitae Variant Classification Sherloc (09022015). Collection method: clinical testing. Allele origin: germline.
Comment: This sequence change replaces serine, which is neutral and polar, with cysteine, which is neutral and slightly polar, at codon 549 of the AFF4 protein (p.Ser549Cys). This variant is present in population databases (no rsID available, gnomAD 0.0009%). This variant has not been reported in the literature in individuals affected with AFF4-related conditions. ClinVar contains an entry for this variant (Variation ID: 3669728). Invitae Evidence Modeling of protein sequence and biophysical properties (such as structural, functional, and spatial information, amino acid conservation, physicochemical variation, residue mobility, and thermodynamic stability) indicates that this missense variant is expected to disrupt AFF4 protein function with a positive predictive value of 80%. In summary, the available evidence is currently insufficient to determine the role of this variant in disease. Therefore, it has been classified as a Variant of Uncertain Significance.